The following is an entry in ClinVar:

ClinVar aggregate classification (germline): Likely benign (1 of 4 stars; one submission).

Allele frequency attached by ClinVar (database versions not stated): 1000 Genomes Project 30x 0.00062; 1000 Genomes Project 0.00080; TOPMed 0.00150; ESP Exome Variant Server 0.00157; ExAC 0.00213; gnomAD 0.00226.
gnomAD v4.1: 3,940 of 1,614,124 alleles (0.24%); highest among the groups gnomAD compares: Non-Finnish European, 0.29%; 19 homozygotes.

Submission:

CeGaT Center for Human Genetics Tuebingen
Classification: Likely benign. Last evaluated: 2023-03-01. Review status: criteria provided, single submitter. Criteria: CeGaT Center For Human Genetics Tuebingen Variant Classification Criteria Version 2. Collection method: clinical testing. Allele origin: germline. Affected: yes. Observed: 1 variant allele.
Comment: GREB1: BS2

NM_014668.4(GREB1):c.4251G>A (p.Pro1417=)

Gene: GREB1 (growth regulating estrogen receptor binding 1; plus strand). Cytogenetic location: 2p25.1.
Variant type: single nucleotide variant.
Coding change: c.4251G>A on transcript NM_014668.4 (MANE Select); coding-DNA position 4251, G replaced by A.
Protein change: p.Pro1417=; no amino-acid change (proline 1417 retained).
Molecular consequence: synonymous variant.
Genome position (GRCh38, 1-based): chr2:11,625,257, G>A. VCF-style: chr2-11625257-G-A. GRCh37 (hg19) VCF-style: chr2-11765383-G-A.
Identifiers: ClinVar variation 2650684 (VCV002650684.24), dbSNP rs193173098, ClinGen allele CA1532449.